The following is an entry in ClinVar:

NM_181426.2(CCDC39):c.455A>C (p.His152Pro)

Gene: CCDC39 (coiled-coil domain 39 molecular ruler complex subunit; minus strand). Cytogenetic location: 3q26.33.
Variant type: single nucleotide variant.
Coding change: c.455A>C on transcript NM_181426.2 (MANE Select); coding-DNA position 455, A replaced by C.
Protein change: p.His152Pro; replaces histidine 152 with proline.
Molecular consequence: missense variant.
Genome position (GRCh38, 1-based): chr3:180,660,631, T>G on the plus strand (A>C on the coding strand, the complement: CCDC39 is on the minus strand). VCF-style: chr3-180660631-T-G. GRCh37 (hg19) VCF-style: chr3-180378419-T-G.
Other names: c.455A>C (NM_181426.1); short protein forms H152P.
Identifiers: ClinVar variation 1907314 (VCV001907314.4), dbSNP rs370141610, ClinGen allele CA2716174.

ClinVar aggregate classification (germline): Uncertain significance. Review status: criteria provided, multiple submitters, no conflicts (2 of 4 stars). 2 submissions from 2 submitters: Uncertain significance (2). Last evaluated 2025-09-26.

Conditions:
Primary ciliary dyskinesia. Also called: Ciliary dyskinesia. Identifiers: Orphanet 244, MedGen C0008780, MONDO:0016575, HP:0012265.

Allele frequency attached by ClinVar (database versions not stated): ExAC 0.00005; TOPMed 0.00009; gnomAD 0.00011; ESP Exome Variant Server 0.00017; 1000 Genomes Project 30x 0.00047; 1000 Genomes Project 0.00060.
gnomAD v4.1: 37 of 1,603,014 alleles (0.0023%); highest among the groups gnomAD compares: African/African-American, 0.025%; no homozygotes.

Submissions (2):

Ambry Genetics
Classification: Uncertain significance for Primary ciliary dyskinesia. Last evaluated: 2025-09-26. Review status: criteria provided, single submitter. Criteria: Ambry Variant Classification Scheme 2023. Collection method: clinical testing. Allele origin: germline.

Labcorp Genetics (formerly Invitae), Labcorp
Classification: Uncertain significance for Primary ciliary dyskinesia. Last evaluated: 2022-06-24. Review status: criteria provided, single submitter. Criteria: Invitae Variant Classification Sherloc (09022015). Collection method: clinical testing. Allele origin: germline.
Comment: This sequence change replaces histidine, which is basic and polar, with proline, which is neutral and non-polar, at codon 152 of the CCDC39 protein (p.His152Pro). This variant is present in population databases (rs370141610, gnomAD 0.06%). This variant has not been reported in the literature in individuals affected with CCDC39-related conditions. Algorithms developed to predict the effect of missense changes on protein structure and function (SIFT, PolyPhen-2, Align-GVGD) all suggest that this variant is likely to be tolerated. In summary, the available evidence is currently insufficient to determine the role of this variant in disease. Therefore, it has been classified as a Variant of Uncertain Significance.